The following is an entry in ClinVar:

NM_020812.4(DOCK6):c.5324C>A (p.Ser1775Ter)

Gene: DOCK6 (dedicator of cytokinesis 6; minus strand). Cytogenetic location: 19p13.2.
Variant type: single nucleotide variant.
Coding change: c.5324C>A on transcript NM_020812.4 (MANE Select); coding-DNA position 5324, C replaced by A.
Protein change: p.Ser1775Ter; replaces serine 1775 with a stop codon.
Molecular consequence: nonsense.
Genome position (GRCh38, 1-based): chr19:11,202,621, G>T on the plus strand (C>A on the coding strand, the complement: DOCK6 is on the minus strand). VCF-style: chr19-11202621-G-T. GRCh37 (hg19) VCF-style: chr19-11313297-G-T.
Other names: c.5429C>A, p.Ser1810Ter (NM_001367830.1); short protein forms S1775*, S1810*.
Identifiers: ClinVar variation 4884201 (VCV004884201.2).

ClinVar aggregate classification (germline): Likely pathogenic (1 of 4 stars; one submission).

Conditions:
Adams-Oliver syndrome 2 (AOS2). Identifiers: Orphanet 974, MedGen C3280182, MONDO:0013635, OMIM 614219.

Submission:

Dasa
Classification: Likely pathogenic for Adams-Oliver syndrome 2. Last evaluated: 2025-06-21. Review status: criteria provided, single submitter. Criteria: DASA Assertion Criteria. Collection method: clinical testing. Allele origin: germline.
Comment: NM_020812.4(DOCK6):c.5324C>A (p.Ser1775*) is a nonsense variant in DOCK6 predicted to introduce a premature termination codon and is predicted to result in an absent or altered protein product. Loss of function is an established disease mechanism for DOCK6-associated disorders. Also, this variant is rare in population databases. Based on the currently available evidence, this variant is classified as likely pathogenic.